The following is an entry in ClinVar:

ClinVar aggregate classification (germline): Pathogenic/Likely pathogenic. Review status: criteria provided, multiple submitters, no conflicts (2 of 4 stars). 2 submissions from 2 submitters: Pathogenic (1); Likely pathogenic (1). Last evaluated 2025-07-18.

Conditions:
Brittle cornea syndrome 1 (BCS1). Also called: CORNEAL FRAGILITY, KERATOGLOBUS, BLUE SCLERAE, JOINT HYPEREXTENSIBILITY; EDS6B; FRAGILITAS OCULI WITH JOINT HYPEREXTENSIBILITY; Corneal fragility keratoglobus, blue sclerae AND joint hypermobility; DYSGENESIS MESODERMALIS CORNEAE ET SCLERAE. Identifiers: Orphanet 90354, MedGen C0268344, MONDO:0024543, OMIM 229200.

Submissions (2):

Variantyx, Inc.
Classification: Likely pathogenic for Brittle cornea syndrome 1. Last evaluated: 2025-07-18. Review status: criteria provided, single submitter. Criteria: Variantyx Assertion Criteria 2022. Collection method: clinical testing. Allele origin: germline. Inheritance: Autosomal recessive inheritance.
Comment: This is a nonsense variant in the ZNF469 gene (OMIM: 612078). Pathogenic variants in this gene have been associated with autosomal recessive brittle cornea syndrome 1. This variant introduces a premature termination codon in exon 3 out of 3 and is expected to result in loss of function, which is a known disease mechanism for ZNF469 in this disorder (PMID:32671420) (PVS1). This variant is absent from control populations (PM2) and it \ has not been reported in individuals with ZNF469-related disorders in the databases available for review.Based on the current evidence, this variant is classified as likely pathogenic for autosomal recessive brittle cornea syndrome 1.

Labcorp Genetics (formerly Invitae), Labcorp
Classification: Pathogenic. Last evaluated: 2024-05-07. Review status: criteria provided, single submitter. Criteria: Invitae Variant Classification Sherloc (09022015). Collection method: clinical testing. Allele origin: germline.
Comment: This sequence change creates a premature translational stop signal (p.Gln2528*) in the ZNF469 gene. While this is not anticipated to result in nonsense mediated decay, it is expected to disrupt the last 1398 amino acid(s) of the ZNF469 protein. This variant is not present in population databases (gnomAD no frequency). This variant has not been reported in the literature in individuals affected with ZNF469-related conditions. This variant disrupts a region of the ZNF469 protein in which other variant(s) (p.Pro3556Glnfs*136) have been determined to be pathogenic (PMID: 32671420; Invitae). This suggests that this is a clinically significant region of the protein, and that variants that disrupt it are likely to be disease-causing. For these reasons, this variant has been classified as Pathogenic.

Literature cited by the submitters: PubMed 32671420 (cited by Variantyx, Inc. and Labcorp Genetics (formerly Invitae), Labcorp).

NM_001367624.2(ZNF469):c.7666C>T (p.Gln2556Ter)

Gene: ZNF469 (zinc finger protein 469; plus strand). Cytogenetic location: 16q24.2.
Variant type: single nucleotide variant.
Coding change: c.7666C>T on transcript NM_001367624.2 (MANE Select); coding-DNA position 7666, C replaced by T.
Protein change: p.Gln2556Ter; replaces glutamine 2556 with a stop codon.
Molecular consequence: nonsense.
Genome position (GRCh38, 1-based): chr16:88,435,136, C>T. VCF-style: chr16-88435136-C-T. GRCh37 (hg19) VCF-style: chr16-88501544-C-T.
Other names: short protein forms Q2556*.
Identifiers: ClinVar variation 2768303 (VCV002768303.4), dbSNP rs2507597158, ClinGen allele CA397113897.